The following is an entry in ClinVar:

NM_018669.6(WDR4):c.1021C>T (p.Arg341Cys)

Gene: WDR4 (WDR4 tRNA N7-guanosine methyltransferase non-catalytic subunit; minus strand). Cytogenetic location: 21q22.3.
Variant type: single nucleotide variant.
Coding change: c.1021C>T on transcript NM_018669.6 (MANE Select); coding-DNA position 1021, C replaced by T.
Protein change: p.Arg341Cys; replaces arginine 341 with cysteine.
Molecular consequence: missense variant. On other transcripts: non-coding transcript variant (1).
Genome position (GRCh38, 1-based): chr21:42,852,279, G>A on the plus strand (C>T on the coding strand, the complement: WDR4 is on the minus strand). VCF-style: chr21-42852279-G-A. GRCh37 (hg19) VCF-style: chr21-44272389-G-A.
Other names: c.1018C>T, p.Arg340Cys (NM_001260474.2); c.583C>T, p.Arg195Cys (NM_001260475.2, NM_001260476.2, NM_001260477.2 and 1 more transcripts); c.1021C>T, p.Arg341Cys (NM_033661.5); short protein forms R340C, R195C, R341C.
Identifiers: ClinVar variation 2076780 (VCV002076780.2), dbSNP rs147294240, ClinGen allele CA10045846.
Genomic context (GRCh38, chr21:42,852,279, plus strand): 5'-GTGACCCCCAAGGGCAGCCTGCACCCGTGCTCTCACCTTCCAGCATGGCCCAGTTCCCAC[G>A]AAGAACACCAGAGACTTTCTTTAACACGGTGCTCTCAGGAACAGACTGCAGGCGACAAAC-3'
Protein context (NP_061139.2, residues 331-351): TVLKKVSGVL[Arg341Cys]GNWAMLEGSA

ClinVar aggregate classification (germline): Conflicting classifications of pathogenicity. Review status: criteria provided, conflicting classifications (1 of 4 stars). 2 submissions from 2 submitters: Uncertain significance (1); Likely benign (1). Last evaluated 2022-03-14.

Conditions:
Inborn genetic diseases. Identifiers: MedGen C0950123, MeSH D030342.

Allele frequency attached by ClinVar (database versions not stated): ExAC 0.00014; 1000 Genomes Project 30x 0.00016; 1000 Genomes Project 0.00020; ESP Exome Variant Server 0.00031; gnomAD 0.00037; TOPMed 0.00044.
gnomAD v4.1: 142 of 1,614,154 alleles (0.0088%); highest among the groups gnomAD compares: African/African-American, 0.13%; no homozygotes.

Submissions (2):

Labcorp Genetics (formerly Invitae), Labcorp
Classification: Uncertain significance. Last evaluated: 2022-03-14. Review status: criteria provided, single submitter. Criteria: Invitae Variant Classification Sherloc (09022015). Collection method: clinical testing. Allele origin: germline.
Comment: This sequence change replaces arginine, which is basic and polar, with cysteine, which is neutral and slightly polar, at codon 341 of the WDR4 protein (p.Arg341Cys). This variant is present in population databases (rs147294240, gnomAD 0.1%). This variant has not been reported in the literature in individuals affected with WDR4-related conditions. Algorithms developed to predict the effect of missense changes on protein structure and function (SIFT, PolyPhen-2, Align-GVGD) all suggest that this variant is likely to be tolerated. In summary, the available evidence is currently insufficient to determine the role of this variant in disease. Therefore, it has been classified as a Variant of Uncertain Significance.

Ambry Genetics
Classification: Likely benign for Inborn genetic diseases. Last evaluated: 2022-01-04. Review status: criteria provided, single submitter. Criteria: Ambry Variant Classification Scheme 2023. Collection method: clinical testing. Allele origin: germline.